The following is an entry in ClinVar:

ClinVar aggregate classification (germline): Uncertain significance (1 of 4 stars; one submission).

Submission:

Labcorp Genetics (formerly Invitae), Labcorp
Classification: Uncertain significance. Last evaluated: 2022-12-05. Review status: criteria provided, single submitter. Criteria: Invitae Variant Classification Sherloc (09022015). Collection method: clinical testing. Allele origin: germline.
Comment: In summary, the available evidence is currently insufficient to determine the role of this variant in disease. Therefore, it has been classified as a Variant of Uncertain Significance. This sequence change replaces arginine, which is basic and polar, with leucine, which is neutral and non-polar, at codon 688 of the DCHS1 protein (p.Arg688Leu). This variant is not present in population databases (gnomAD no frequency). This variant has not been reported in the literature in individuals affected with DCHS1-related conditions. Advanced modeling of protein sequence and biophysical properties (such as structural, functional, and spatial information, amino acid conservation, physicochemical variation, residue mobility, and thermodynamic stability) performed at Invitae indicates that this missense variant is not expected to disrupt DCHS1 protein function.

NM_003737.4(DCHS1):c.2063G>T (p.Arg688Leu)

Gene: DCHS1 (dachsous cadherin-related 1; minus strand). Cytogenetic location: 11p15.4.
Variant type: single nucleotide variant.
Coding change: c.2063G>T on transcript NM_003737.4 (MANE Select); coding-DNA position 2063, G replaced by T.
Protein change: p.Arg688Leu; replaces arginine 688 with leucine.
Molecular consequence: missense variant.
Genome position (GRCh38, 1-based): chr11:6,633,944, C>A on the plus strand (G>T on the coding strand, the complement: DCHS1 is on the minus strand). VCF-style: chr11-6633944-C-A. GRCh37 (hg19) VCF-style: chr11-6655175-C-A.
Other names: short protein forms R688L.
Identifiers: ClinVar variation 2818779 (VCV002818779.3), dbSNP rs1337002382, ClinGen allele CA379424219.
Genomic context (GRCh38, chr11:6,633,944, plus strand): 5'-CGCAACCTCAGCACAGCTGTGCCTGGTGGACTCTGGGCACTTATACTGGCAGCATACTCC[C>A]GTGGATAAAACTGAGGAGGGTTGTCATTCTCGTCTGACAGAAACACCTTCACATATACCA-3'
Protein context (NP_003728.1, residues 678-698): ENDNPPQFYP[Arg688Leu]EYAASISAQS